The following is an entry in ClinVar:

ClinVar aggregate classification (germline): Pathogenic/Likely pathogenic. Review status: criteria provided, multiple submitters, no conflicts (2 of 4 stars). 7 submissions from 7 submitters: Pathogenic (3); Likely pathogenic (3). 1 of the submissions does not count toward it. Last evaluated 2024-07-09.

Conditions:
Autosomal recessive limb-girdle muscular dystrophy type 2D (LGMDR3). Also called: DUCHENNE-LIKE AUTOSOMAL RECESSIVE MUSCULAR DYSTROPHY, TYPE 2; ADHALINOPATHY, PRIMARY; MUSCULAR DYSTROPHY, LIMB-GIRDLE, AUTOSOMAL RECESSIVE 3. Identifiers: Orphanet 62, MedGen C2936332, MONDO:0011968, OMIM 608099. Disease mechanism: Affects gamma-sarcoglycan and also disrupts the integrity of the entire sarcoglycan complex..
SGCA-related disorder. Also called: SGCA-related condition.

gnomAD v4.1: 14 of 1,582,946 alleles (0.00088%); highest among the groups gnomAD compares: Non-Finnish European, 0.0011%; no homozygotes.

Submissions (7):

Natera, Inc.
Classification: Likely pathogenic for Limb-girdle muscular dystrophy type 2D. Last evaluated: 2024-07-09. Review status: criteria provided, single submitter. Criteria: Natera Variant Classification Schema (03/2026). Collection method: clinical testing. Allele origin: germline.
Comment: The c.403C>T variant in SGCA is a nonsense variant predicted to introduce a stop codon at amino acid 135. This variant is expected to result in nonsense mediated decay, truncation, or a dysfunctional protein product. This variant is rare in the general population with a frequency below the threshold expected for the associated phenotype(s). Given the available evidence, this variant is classified as Likely Pathogenic.

Blueprint Genetics
Classification: Likely pathogenic for SGCA-related disorders. Last evaluated: 2024-06-28. Review status: criteria provided, single submitter. Criteria: ACMG Guidelines, 2015. Collection method: clinical testing. Allele origin: germline. Affected: yes. Observed: 2 variant alleles.

Fulgent Genetics
Classification: Pathogenic for Autosomal recessive limb-girdle muscular dystrophy type 2D. Last evaluated: 2024-03-18. Review status: criteria provided, single submitter. Criteria: ACMG Guidelines, 2015. Collection method: clinical testing. Allele origin: germline.

Genome-Nilou Lab
Classification: Likely pathogenic for Autosomal recessive limb-girdle muscular dystrophy type 2D. Last evaluated: 2023-02-08. Review status: criteria provided, single submitter. Criteria: ACMG Guidelines, 2015. Collection method: clinical testing. Allele origin: germline.

Revvity Omics, Revvity
Classification: Pathogenic for Autosomal recessive limb-girdle muscular dystrophy type 2D. Last evaluated: 2019-07-24. Review status: criteria provided, single submitter. Criteria: ACMG Guidelines, 2015. Collection method: clinical testing. Allele origin: germline.

Eurofins Ntd Llc (ga)
Classification: Pathogenic. Last evaluated: 2016-01-25. Review status: criteria provided, single submitter. Criteria: EGL Classification Definitions 2015. Collection method: clinical testing. Allele origin: germline. Observed: 1 variant allele, 1 heterozygote.

Counsyl
Classification: Likely pathogenic for Autosomal recessive limb-girdle muscular dystrophy type 2D. Last evaluated: 2017-02-24. Review status: no assertion criteria provided. Collection method: clinical testing. Allele origin: unknown. Not counted in ClinVar's aggregate classification.

Literature cited by the submitters: PubMed 25046369 (cited by Counsyl).

NM_000023.4(SGCA):c.403C>T (p.Gln135Ter)

Gene: SGCA (sarcoglycan alpha; plus strand). Cytogenetic location: 17q21.33.
Variant type: single nucleotide variant.
Coding change: c.403C>T on transcript NM_000023.4 (MANE Select); coding-DNA position 403, C replaced by T.
Protein change: p.Gln135Ter; replaces glutamine 135 with a stop codon.
Molecular consequence: nonsense. On other transcripts: non-coding transcript variant (1).
Genome position (GRCh38, 1-based): chr17:50,168,391, C>T. VCF-style: chr17-50168391-C-T. GRCh37 (hg19) VCF-style: chr17-48245752-C-T.
Other names: c.403C>T, p.Gln135Ter (NM_001135697.3); c.403C>T (NM_000023.3); short protein forms Q135*.
Identifiers: ClinVar variation 285818 (VCV000285818.14), dbSNP rs886043221, ClinGen allele CA10605259.